The following is an entry in ClinVar:

NM_000465.4(BARD1):c.1771A>G (p.Ile591Val)

Gene: BARD1 (BRCA1 associated RING domain 1; minus strand). Cytogenetic location: 2q35.
Variant type: single nucleotide variant.
Coding change: c.1771A>G on transcript NM_000465.4 (MANE Select); coding-DNA position 1771, A replaced by G.
Protein change: p.Ile591Val; replaces isoleucine 591 with valine.
Molecular consequence: missense variant. On other transcripts: non-coding transcript variant (3), intron variant (1).
Genome position (GRCh38, 1-based): chr2:214,745,761, T>C on the plus strand (A>G on the coding strand, the complement: BARD1 is on the minus strand). VCF-style: chr2-214745761-T-C. GRCh37 (hg19) VCF-style: chr2-215610485-T-C.
Other names: c.1714A>G, p.Ile572Val (NM_001282543.2); c.418A>G, p.Ile140Val (NM_001282545.2); c.361A>G, p.Ile121Val (NM_001282548.2); c.365-15253A>G (NM_001282549.2); short protein forms I591V, I121V, I140V, I572V.
Identifiers: ClinVar variation 629219 (VCV000629219.5), dbSNP rs1559386945, ClinGen allele CA350452787.

ClinVar aggregate classification (germline): Uncertain significance (1 of 4 stars; one submission).

Conditions:
Hereditary cancer-predisposing syndrome. Also called: Neoplastic Syndromes, Hereditary; Tumor predisposition; Hereditary neoplastic syndrome; Hereditary Cancer Syndrome. Identifiers: Orphanet 140162, MedGen C0027672, MeSH D009386, MONDO:0015356.

Submission:

Color Diagnostics, LLC DBA Color Health
Classification: Uncertain significance for Hereditary cancer-predisposing syndrome. Last evaluated: 2023-12-05. Review status: criteria provided, single submitter. Criteria: ACMG Guidelines, 2015. Collection method: clinical testing. Allele origin: germline.
Comment: This missense variant replaces isoleucine with valine at codon 591 of the BARD1 protein. Computational prediction suggests that this variant may not impact protein structure and function (internally defined REVEL score threshold <= 0.5, PMID: 27666373). To our knowledge, functional studies have not been reported for this variant. This variant has not been reported in individuals affected with BARD1-related disorders in the literature. This variant has not been identified in the general population by the Genome Aggregation Database (gnomAD). The available evidence is insufficient to determine the role of this variant in disease conclusively. Therefore, this variant is classified as a Variant of Uncertain Significance.